The following is an entry in ClinVar:

ClinVar aggregate classification (germline): Pathogenic (1 of 4 stars; one submission).

Conditions:
Familial cancer of breast. Also called: Hereditary breast cancer; BREAST CANCER, FAMILIAL; hereditary breast carcinoma. Identifiers: Orphanet 227535, MedGen C0346153, MONDO:0016419, OMIM 114480. Disease mechanism: loss of function.

Submission:

Myriad Genetics, Inc.
Classification: Pathogenic for Familial cancer of breast. Last evaluated: 2023-06-02. Review status: criteria provided, single submitter. Criteria: Myriad Autosomal Dominant, Autosomal Recessive and X-Linked Classification Criteria (2023). Collection method: clinical testing. Allele origin: unknown.
Comment: This variant is considered pathogenic. This variant creates a frameshift predicted to result in premature protein truncation.

NM_032043.3(BRIP1):c.1529_1530del (p.Lys510fs)

Gene: BRIP1 (BRCA1 interacting DNA helicase 1; minus strand). Cytogenetic location: 17q23.2.
Variant type: Deletion.
Coding change: c.1529_1530del on transcript NM_032043.3 (MANE Select); coding-DNA positions 1529 to 1530, 2 bases deleted (AA; older notation c.1529_1530delAA).
Protein change: p.Lys510fs; shifts the reading frame from lysine 510.
Molecular consequence: frameshift variant.
Genome position (GRCh38, 1-based): chr17:61,784,368-61,784,369, TT deleted on the plus strand (AA on the coding strand, the reverse complement: BRIP1 is on the minus strand); deleting any 2 consecutive bases within chr17:61,784,368-61,784,370 gives the same sequence; the c. name uses the placement nearest the transcript's 3' end. VCF-style (leftmost placement, unchanged base first): chr17-61784367-CTT-C. GRCh37 (hg19) VCF-style: chr17-59861728-CTT-C.
Other names: short protein forms K510fs.
Identifiers: ClinVar variation 2583239 (VCV002583239.2), dbSNP rs2545054545, ClinGen allele CA2582342290.